The following is an entry in ClinVar:

NM_000038.6(APC):c.6101_6102del (p.Asp2033_Ser2034insTer)

Gene: APC (APC regulator of Wnt signaling pathway; plus strand). Cytogenetic location: 5q22.2.
Variant type: Microsatellite.
Coding change: c.6101_6102del on transcript NM_000038.6 (MANE Select); coding-DNA positions 6101 to 6102, 2 bases deleted (CT; older notation c.6101_6102delCT).
Protein change: p.Asp2033_Ser2034insTer.
Molecular consequence: nonsense.
Genome position (GRCh38, 1-based): chr5:112,841,695-112,841,696, CT deleted; deleting any 2 consecutive bases within chr5:112,841,693-112,841,696 gives the same sequence; the c. name uses the placement nearest the transcript's 3' end. VCF-style (leftmost placement, unchanged base first): chr5-112841692-ACT-A. GRCh37 (hg19) VCF-style: chr5-112177389-ACT-A.
Other names: c.6101_6102delCT (NM_000038.5); c.6101_6102del, p.Asp2033_Ser2034insTer (NM_001127510.3, NM_001354895.2); c.6047_6048del, p.Asp2015_Ser2016insTer (NM_001127511.3); c.6155_6156del, p.Asp2051_Ser2052insTer (NM_001354896.2); c.6131_6132del, p.Asp2043_Ser2044insTer (NM_001354897.2); c.6026_6027del, p.Asp2008_Ser2009insTer (NM_001354898.2); c.6017_6018del, p.Asp2005_Ser2006insTer (NM_001354899.2); c.5978_5979del, p.Asp1992_Ser1993insTer (NM_001354900.2); and 7 more.
Identifiers: ClinVar variation 265576 (VCV000265576.15), dbSNP rs886039638, ClinGen allele CA10588387.

ClinVar aggregate classification (germline): Pathogenic. Review status: criteria provided, multiple submitters, no conflicts (2 of 4 stars). 2 submissions from 2 submitters: Pathogenic (2). Last evaluated 2025-09-11.

Conditions:
Familial adenomatous polyposis 1 (FAP1). Also called: FAMILIAL ADENOMATOUS POLYPOSIS 1, ATTENUATED; POLYPOSIS, ADENOMATOUS INTESTINAL. Identifiers: MedGen C2713442, MONDO:0021056, OMIM 175100. Disease mechanism: loss of function.

Submissions (2):

GeneDx
Classification: Pathogenic. Last evaluated: 2025-09-11. Review status: criteria provided, single submitter. Criteria: GeneDx Variant Classification Process June 2021. Collection method: clinical testing. Allele origin: germline. Affected: yes.
Comment: Nonsense variant predicted to result in protein truncation or nonsense mediated decay in a gene for which loss of function is a known mechanism of disease; Not observed at significant frequency in large population cohorts (gnomAD); Has not been previously published as pathogenic or benign to our knowledge

Labcorp Genetics (formerly Invitae), Labcorp
Classification: Pathogenic for Familial adenomatous polyposis 1. Last evaluated: 2018-07-05. Review status: criteria provided, single submitter. Criteria: Invitae Variant Classification Sherloc (09022015). Collection method: clinical testing. Allele origin: germline.
Comment: This variant has not been reported in the literature in individuals with APC-related disease. ClinVar contains an entry for this variant (Variation ID: 265576). This variant is not present in population databases (ExAC no frequency). This sequence change results in a premature translational stop signal in the APC gene (p.Ser2034*). While this is not anticipated to result in nonsense mediated decay, it is expected to disrupt the last 810 amino acids of the APC protein. A different truncation (p.Tyr2645Lysfs*14) that lies downstream of this variant has been determined to be pathogenic (PMID: 9824584, 1316610, 27081525, 8381579, 22135120). This variant is expected to disrupt the EB1 and HDLG binding sites, which mediate interactions with the cytoskeleton (PMID: 15311282, 17293347). While functional studies have not been performed to directly test the effect on APC protein function, this suggests that disruption of the C-terminal portion of the protein is functionally important. For these reasons, this variant has been classified as Pathogenic.

Literature cited by the submitters: PubMed 9824584 (cited by Labcorp Genetics (formerly Invitae), Labcorp); PubMed 1316610 (cited by Labcorp Genetics (formerly Invitae), Labcorp); PubMed 27081525 (cited by Labcorp Genetics (formerly Invitae), Labcorp); PubMed 8381579 (cited by Labcorp Genetics (formerly Invitae), Labcorp); PubMed 22135120 (cited by Labcorp Genetics (formerly Invitae), Labcorp); PubMed 15311282 (cited by Labcorp Genetics (formerly Invitae), Labcorp); PubMed 17293347 (cited by Labcorp Genetics (formerly Invitae), Labcorp).